The following is an entry in ClinVar:

ClinVar aggregate classification (germline): Uncertain significance (1 of 4 stars; one submission).

Allele frequency attached by ClinVar (database versions not stated): gnomAD 0.00003; TOPMed 0.00004.

Submission:

Labcorp Genetics (formerly Invitae), Labcorp
Classification: Uncertain significance. Last evaluated: 2025-12-26. Review status: criteria provided, single submitter. Criteria: Invitae Variant Classification Sherloc (09022015). Collection method: clinical testing. Allele origin: germline.
Comment: This sequence change replaces alanine, which is neutral and non-polar, with threonine, which is neutral and polar, at codon 126 of the MYLK3 protein (p.Ala126Thr). This variant is not present in population databases (gnomAD no frequency). This variant has not been reported in the literature in individuals affected with MYLK3-related conditions. ClinVar contains an entry for this variant (Variation ID: 1486060). An algorithm developed to predict the effect of missense changes on protein structure and function outputs the following: PolyPhen-2: "Benign". The threonine amino acid residue is found in multiple mammalian species, which suggests that this missense change does not adversely affect protein function. In summary, the available evidence is currently insufficient to determine the role of this variant in disease. Therefore, it has been classified as a Variant of Uncertain Significance.

NM_182493.3(MYLK3):c.376G>A (p.Ala126Thr)

Gene: MYLK3 (myosin light chain kinase 3; minus strand). Cytogenetic location: 16q11.2.
Variant type: single nucleotide variant.
Coding change: c.376G>A on transcript NM_182493.3 (MANE Select); coding-DNA position 376, G replaced by A.
Protein change: p.Ala126Thr; replaces alanine 126 with threonine.
Molecular consequence: missense variant. On other transcripts: intron variant (1).
Genome position (GRCh38, 1-based): chr16:46,747,818, C>T on the plus strand (G>A on the coding strand, the complement: MYLK3 is on the minus strand). VCF-style: chr16-46747818-C-T. GRCh37 (hg19) VCF-style: chr16-46781730-C-T.
Other names: c.-113-7671G>A (NM_001308301.1); short protein forms A126T.
Identifiers: ClinVar variation 1486060 (VCV001486060.8), dbSNP rs548322095, ClinGen allele CA280241290.